The following is an entry in ClinVar:

ClinVar aggregate classification (germline): Likely pathogenic. Review status: criteria provided, single submitter (1 of 4 stars). 3 submissions from 3 submitters: Likely pathogenic (1). 2 of the submissions do not count toward it. Last evaluated 2025-10-01.

Conditions:
PSAT deficiency. Identifiers: Orphanet 284417, MedGen C1970253, MONDO:0012596, OMIM 610992.

Submissions (3):

CeGaT Center for Human Genetics Tuebingen
Classification: Likely pathogenic. Last evaluated: 2025-10-01. Review status: criteria provided, single submitter. Criteria: CeGaT Center For Human Genetics Tuebingen Variant Classification Criteria Version 2. Collection method: clinical testing. Allele origin: germline. Affected: yes. Observed: 1 variant allele.
Comment: PSAT1: PM2, PM3, PP3, PS3:Supporting

OMIM
Classification: Pathogenic for PHOSPHOSERINE AMINOTRANSFERASE DEFICIENCY. Last evaluated: 2024-04-08. Review status: no assertion criteria provided. Collection method: literature only. Allele origin: germline. Not counted in ClinVar's aggregate classification.

Dudley Research Group, Pacific Northwest Research Institute
No classification provided. Review status: no classification provided. Collection method: research, in vivo. Allele origin: unknown, not applicable. Functional consequence: loss_of_function_variant. Not counted in ClinVar's aggregate classification.

Literature cited by the submitters: PubMed 26610677 (cited by OMIM).

NM_058179.4(PSAT1):c.129T>G (p.Ser43Arg)

Gene: PSAT1 (phosphoserine aminotransferase 1; plus strand). Cytogenetic location: 9q21.2.
Variant type: single nucleotide variant.
Coding change: c.129T>G on transcript NM_058179.4 (MANE Select); coding-DNA position 129, T replaced by G.
Protein change: p.Ser43Arg; replaces serine 43 with arginine.
Molecular consequence: missense variant.
Genome position (GRCh38, 1-based): chr9:78,301,961, T>G. VCF-style: chr9-78301961-T-G. GRCh37 (hg19) VCF-style: chr9-80916877-T-G.
Other names: c.129T>G, p.Ser43Arg (NM_021154.5); short protein forms S43R.
Identifiers: ClinVar variation 977022 (VCV000977022.9), dbSNP rs1828113460, ClinGen allele CA373871832.